The following is an entry in ClinVar:

NM_001849.4(COL6A2):c.998del (p.Lys333fs)

Gene: COL6A2 (collagen type VI alpha 2 chain; plus strand). Cytogenetic location: 21q22.3.
Variant type: Deletion.
Coding change: c.998del on transcript NM_001849.4 (MANE Select); coding-DNA position 998, one base deleted (A; older notation c.998delA).
Protein change: p.Lys333fs; shifts the reading frame from lysine 333.
Molecular consequence: frameshift variant.
Genome position (GRCh38, 1-based): chr21:46,116,813, A deleted; the last of 2 consecutive A bases (chr21:46,116,812-46,116,813); deleting either gives the same sequence. VCF-style (leftmost placement, unchanged base first): chr21-46116811-GA-G. GRCh37 (hg19) VCF-style: chr21-47536725-GA-G.
Other names: c.998del, p.Lys333fs (NM_058174.3, NM_058175.3); short protein forms K333fs.
Identifiers: ClinVar variation 1073260 (VCV001073260.2), dbSNP rs2123628814, ClinGen allele CA2499225996.

ClinVar aggregate classification (germline): Pathogenic (1 of 4 stars; one submission).

Conditions:
Bethlem myopathy 1A. Also called: MYOPATHY, BENIGN CONGENITAL, WITH CONTRACTURES; Bethlem Muscular Dystrophy; Bethlem myopathy 1. Identifiers: Orphanet 610, MedGen CN029274, MONDO:0024530, OMIM 158810.

Submission:

Labcorp Genetics (formerly Invitae), Labcorp
Classification: Pathogenic for Bethlem myopathy 1A. Last evaluated: 2020-05-12. Review status: criteria provided, single submitter. Criteria: Invitae Variant Classification Sherloc (09022015). Collection method: clinical testing. Allele origin: germline.
Comment: This sequence change creates a premature translational stop signal (p.Lys333Argfs*75) in the COL6A2 gene. It is expected to result in an absent or disrupted protein product. This variant is not present in population databases (ExAC no frequency). This variant has not been reported in the literature in individuals with COL6A2-related conditions. Algorithms developed to predict the effect of sequence changes on RNA splicing suggest that this variant may disrupt the consensus splice site, but this prediction has not been confirmed by published transcriptional studies. Loss-of-function variants in COL6A2 are known to be pathogenic (PMID: 19884007, 20976770). For these reasons, this variant has been classified as Pathogenic.

Literature cited by the submitters: PubMed 19884007; PubMed 20976770.